The following is an entry in ClinVar:

ClinVar aggregate classification (germline): Likely benign (1 of 4 stars; one submission).

Submission:

CeGaT Center for Human Genetics Tuebingen
Classification: Likely benign. Last evaluated: 2022-12-01. Review status: criteria provided, single submitter. Criteria: CeGaT Center For Human Genetics Tuebingen Variant Classification Criteria Version 2. Collection method: clinical testing. Allele origin: germline. Affected: yes. Observed: 2 variant alleles.
Comment: ESYT2: BS2

NM_001367773.1(ESYT2):c.747+5618_747+5619insA

Gene: ESYT2 (extended synaptotagmin 2; minus strand). Cytogenetic location: 7q36.3.
Variant type: Insertion.
Coding change: c.747+5618_747+5619insA on transcript NM_001367773.1 (MANE Select); bases 5618 to 5619 of the intron after coding-DNA position 747, A inserted.
Molecular consequence: intron variant.
Genome position: GRCh38 VCF-style: chr7-158782385-G-GT. GRCh37 (hg19) VCF-style: chr7-158575076-G-GT.
Other names: c.747+5618_747+5619insA (NM_020728.3).
Identifiers: ClinVar variation 2658284 (VCV002658284.24), dbSNP rs111781867, ClinGen allele CA458914414.